The following is an entry in ClinVar:

NM_001267550.2(TTN):c.95623G>A (p.Glu31875Lys)

Genes: TTN (titin; minus strand), TTN-AS1 (TTN antisense RNA 1; plus strand). Cytogenetic location: 2q31.2.
Variant type: single nucleotide variant.
Coding change: c.95623G>A on transcript NM_001267550.2 (MANE Select); coding-DNA position 95623, G replaced by A.
Protein change: p.Glu31875Lys; replaces glutamic acid 31875 with lysine.
Molecular consequence: missense variant.
Genome position (GRCh38, 1-based): chr2:178,545,487, C>T on the plus strand (G>A on the coding strand, the complement: TTN is on the minus strand). VCF-style: chr2-178545487-C-T. GRCh37 (hg19) VCF-style: chr2-179410214-C-T.
Other names: c.90700G>A, p.Glu30234Lys (NM_001256850.1); c.68428G>A, p.Glu22810Lys (NM_003319.4); c.87919G>A, p.Glu29307Lys (NM_133378.4); c.68803G>A, p.Glu22935Lys (NM_133432.3); c.69004G>A, p.Glu23002Lys (NM_133437.4); short protein forms E22935K, E31875K, E30234K, E29307K, E22810K, E23002K.
Identifiers: ClinVar variation 1755744 (VCV001755744.2), dbSNP rs371534086, ClinGen allele CA60971146.

ClinVar aggregate classification (germline): Uncertain significance (1 of 4 stars; one submission).

Conditions:
Cardiovascular phenotype. Identifiers: MedGen CN230736.

Allele frequency attached by ClinVar (database versions not stated): gnomAD exomes below 0.00001; gnomAD 0.00001; TOPMed 0.00002; ESP Exome Variant Server 0.00008.
gnomAD v4.1: 3 of 1,613,470 alleles (0.00019%); highest among the groups gnomAD compares: African/African-American, 0.0027%; no homozygotes.

Submission:

Ambry Genetics
Classification: Uncertain significance for Cardiovascular phenotype. Last evaluated: 2020-03-19. Review status: criteria provided, single submitter. Criteria: Ambry Variant Classification Scheme 2023. Collection method: clinical testing. Allele origin: germline.
Comment: The p.E22810K variant (also known as c.68428G>A), located in coding exon 171 of the TTN gene, results from a G to A substitution at nucleotide position 68428. The glutamic acid at codon 22810 is replaced by lysine, an amino acid with similar properties. This amino acid position is highly conserved in available vertebrate species. In addition, the in silico prediction for this alteration is inconclusive. Since supporting evidence is limited at this time, the clinical significance of this alteration remains unclear.